The following is an entry in ClinVar:

ClinVar aggregate classification (germline): Uncertain significance (1 of 4 stars; one submission).

Allele frequency attached by ClinVar (database versions not stated): TOPMed below 0.00001; ExAC 0.00001; gnomAD exomes 0.00001.
gnomAD v4.1: 16 of 1,614,024 alleles (0.00099%); highest among the groups gnomAD compares: Admixed American, 0.0083%; no homozygotes.

Submission:

Labcorp Genetics (formerly Invitae), Labcorp
Classification: Uncertain significance. Last evaluated: 2022-07-31. Review status: criteria provided, single submitter. Criteria: Invitae Variant Classification Sherloc (09022015). Collection method: clinical testing. Allele origin: germline.
Comment: This sequence change replaces glutamic acid, which is acidic and polar, with lysine, which is basic and polar, at codon 378 of the POP1 protein (p.Glu378Lys). This variant is present in population databases (rs772305728, gnomAD 0.01%). This variant has not been reported in the literature in individuals affected with POP1-related conditions. Algorithms developed to predict the effect of missense changes on protein structure and function (SIFT, PolyPhen-2, Align-GVGD) all suggest that this variant is likely to be tolerated. In summary, the available evidence is currently insufficient to determine the role of this variant in disease. Therefore, it has been classified as a Variant of Uncertain Significance.

NM_001145860.2(POP1):c.1132G>A (p.Glu378Lys)

Gene: POP1 (POP1 homolog, ribonuclease P/MRP subunit; plus strand). Cytogenetic location: 8q22.2.
Variant type: single nucleotide variant.
Coding change: c.1132G>A on transcript NM_001145860.2 (MANE Select); coding-DNA position 1132, G replaced by A.
Protein change: p.Glu378Lys; replaces glutamic acid 378 with lysine.
Molecular consequence: missense variant.
Genome position (GRCh38, 1-based): chr8:98,136,602, G>A. VCF-style: chr8-98136602-G-A. GRCh37 (hg19) VCF-style: chr8-99148830-G-A.
Other names: c.1132G>A, p.Glu378Lys (NM_001145861.2, NM_015029.3); short protein forms E378K.
Identifiers: ClinVar variation 1982825 (VCV001982825.1), dbSNP rs772305728, ClinGen allele CA4820498.
Genomic context (GRCh38, chr8:98,136,602, plus strand): 5'-TGCATCGCTGACCCACTTCCAACACCATCCCAAGAAAAAAGCCAAACTGAATTGCCTGAC[G>A]AGAAAATTGGCAAGAAAAGAAAAAGGAAAGATGATGGAGAAAATGCTAAACCAATTAAAA-3'
Protein context (NP_001139332.1, residues 368-388): QEKSQTELPD[Glu378Lys]KIGKKRKRKD